The following is an entry in ClinVar:

NM_182914.3(SYNE2):c.2839G>A (p.Gly947Arg)

Gene: SYNE2 (spectrin repeat containing nuclear envelope protein 2; plus strand). Cytogenetic location: 14q23.2.
Variant type: single nucleotide variant.
Coding change: c.2839G>A on transcript NM_182914.3 (MANE Select); coding-DNA position 2839, G replaced by A.
Protein change: p.Gly947Arg; replaces glycine 947 with arginine.
Molecular consequence: missense variant.
Genome position (GRCh38, 1-based): chr14:63,995,101, G>A. VCF-style: chr14-63995101-G-A. GRCh37 (hg19) VCF-style: chr14-64461819-G-A.
Other names: c.2839G>A, p.Gly947Arg (NM_015180.6); short protein forms G947R.
Identifiers: ClinVar variation 650491 (VCV000650491.12), dbSNP rs1157242509, ClinGen allele CA389983707.

ClinVar aggregate classification (germline): Uncertain significance. Review status: criteria provided, single submitter (1 of 4 stars). 2 submissions from 2 submitters: Uncertain significance (1). 1 of the submissions does not count toward it. Last evaluated 2022-07-19.

Conditions:
SYNE2-related disorder. Also called: SYNE2-related condition.
Emery-Dreifuss muscular dystrophy 5, autosomal dominant (EDMD5). Also called: EMERY-DREIFUSS MUSCULAR DYSTROPHY 5. Identifiers: Orphanet 261, MedGen C2751805, MONDO:0013072, OMIM 612999.

Allele frequency attached by ClinVar (database versions not stated): gnomAD exomes below 0.00001; gnomAD 0.00001; TOPMed 0.00001.
gnomAD v4.1: 5 of 1,585,088 alleles (0.00032%); highest among the groups gnomAD compares: African/African-American, 0.0014%; no homozygotes.

Submissions (2):

Labcorp Genetics (formerly Invitae), Labcorp
Classification: Uncertain significance for Emery-Dreifuss muscular dystrophy 5, autosomal dominant. Last evaluated: 2022-07-19. Review status: criteria provided, single submitter. Criteria: Invitae Variant Classification Sherloc (09022015). Collection method: clinical testing. Allele origin: germline.
Comment: This sequence change replaces glycine, which is neutral and non-polar, with arginine, which is basic and polar, at codon 947 of the SYNE2 protein (p.Gly947Arg). This variant is not present in population databases (gnomAD no frequency). In summary, the available evidence is currently insufficient to determine the role of this variant in disease. Therefore, it has been classified as a Variant of Uncertain Significance. Algorithms developed to predict the effect of missense changes on protein structure and function are either unavailable or do not agree on the potential impact of this missense change (SIFT: "Tolerated"; PolyPhen-2: "Possibly Damaging"; Align-GVGD: "Class C0"). ClinVar contains an entry for this variant (Variation ID: 650491). This variant has not been reported in the literature in individuals affected with SYNE2-related conditions.

PreventionGenetics, part of Exact Sciences
Classification: Uncertain significance for SYNE2-related condition. Last evaluated: 2024-06-12. Review status: no assertion criteria provided. Collection method: clinical testing. Allele origin: germline. Not counted in ClinVar's aggregate classification.
Comment: The SYNE2 c.2839G>A variant is predicted to result in the amino acid substitution p.Gly947Arg. To our knowledge, this variant has not been reported in the literature or in a large population database, indicating this variant is rare. At this time, the clinical significance of this variant is uncertain due to the absence of conclusive functional and genetic evidence.